The following is an entry in ClinVar:

ClinVar aggregate classification (germline): Benign (1 of 4 stars; one submission).

Conditions:
POLD1-related polyposis and colorectal cancer syndrome (CRCS10). Also called: Colorectal cancer 10; COLORECTAL CANCER, SUSCEPTIBILITY TO, ON CHROMOSOME 19q; Colorectal cancer, susceptibility to, 10. Identifiers: Orphanet 220460, MedGen C2675481, MONDO:0012953, OMIM 612591.

Submission:

Myriad Genetics, Inc.
Classification: Benign for POLD1-related polyposis and colorectal cancer syndrome. Last evaluated: 2025-02-06. Review status: criteria provided, single submitter. Criteria: Myriad Autosomal Dominant, Autosomal Recessive and X-Linked Classification Criteria (2023). Collection method: clinical testing. Allele origin: unknown.
Comment: This variant is considered benign. This variant is a silent/synonymous amino acid change and it is not expected to impact splicing.

NM_002691.4(POLD1):c.1278C>A (p.Gly426=)

Gene: POLD1 (DNA polymerase delta 1, catalytic subunit; plus strand). Cytogenetic location: 19q13.33.
Variant type: single nucleotide variant.
Coding change: c.1278C>A on transcript NM_002691.4 (MANE Select); coding-DNA position 1278, C replaced by A.
Protein change: p.Gly426=; no amino-acid change (glycine 426 retained).
Molecular consequence: synonymous variant. On other transcripts: non-coding transcript variant (1).
Genome position (GRCh38, 1-based): chr19:50,406,217, C>A. VCF-style: chr19-50406217-C-A. GRCh37 (hg19) VCF-style: chr19-50909474-C-A.
Other names: c.1278C>A, p.Gly426= (NM_001256849.1, NM_001308632.1).
Identifiers: ClinVar variation 3904310 (VCV003904310.1).
Genomic context (GRCh38, chr19:50,406,217, plus strand): 5'-TGCACACCCTGCCTCTCCTCCTCAGGTACAAACATTCCCTTTCCTGGGCCGTGTGGCCGG[C>A]CTTTGCTCCAACATCCGGGACTCTTCATTCCAGTCCAAGCAGACGGGCCGGCGGGACACC-3'
Protein context (NP_002682.2, residues 416-436): QTFPFLGRVA[Gly426=]LCSNIRDSSF